The following is an entry in ClinVar:

ClinVar aggregate classification (germline): Uncertain significance (1 of 4 stars; one submission).

Conditions:
Immunodeficiency. Identifiers: MedGen C0021051, MONDO:0021094, HP:0002721.

gnomAD v4.1: 2 of 1,614,170 alleles (0.00012%); highest among the groups gnomAD compares: Non-Finnish European, 0.00017%; no homozygotes.

Submission:

Labcorp Genetics (formerly Invitae), Labcorp
Classification: Uncertain significance for Immunodeficiency. Last evaluated: 2025-08-18. Review status: criteria provided, single submitter. Criteria: Invitae Variant Classification Sherloc (09022015). Collection method: clinical testing. Allele origin: germline.
Comment: This sequence change replaces lysine, which is basic and polar, with asparagine, which is neutral and polar, at codon 1207 of the NFAT5 protein (p.Lys1207Asn). This variant is present in population databases (rs147609630, gnomAD 0.0009%). This variant has not been reported in the literature in individuals affected with NFAT5-related conditions. An algorithm developed to predict the effect of missense changes on protein structure and function (PolyPhen-2) suggests that this variant is likely to be disruptive. In summary, the available evidence is currently insufficient to determine the role of this variant in disease. Therefore, it has been classified as a Variant of Uncertain Significance.

NM_138713.4(NFAT5):c.3903G>T (p.Lys1301Asn)

Gene: NFAT5 (nuclear factor of activated T cells 5; plus strand). Cytogenetic location: 16q22.1.
Variant type: single nucleotide variant.
Coding change: c.3903G>T on transcript NM_138713.4 (MANE Select); coding-DNA position 3903, G replaced by T.
Protein change: p.Lys1301Asn; replaces lysine 1301 with asparagine.
Molecular consequence: missense variant.
Genome position (GRCh38, 1-based): chr16:69,693,728, G>T. VCF-style: chr16-69693728-G-T. GRCh37 (hg19) VCF-style: chr16-69727631-G-T.
Other names: c.3900G>T, p.Lys1300Asn (NM_001113178.3); c.3228G>T, p.Lys1076Asn (NM_001367709.1); c.3849G>T, p.Lys1283Asn (NM_006599.4); c.3621G>T, p.Lys1207Asn (NM_138714.4, NM_173214.3, NM_173215.3); short protein forms K1076N, K1283N, K1301N, K1207N, K1300N.
Identifiers: ClinVar variation 4779163 (VCV004779163.1).